The following is an entry in ClinVar:

NM_001375405.1(CEP120):c.1681A>G (p.Lys561Glu)

Gene: CEP120 (centrosomal protein 120; minus strand). Cytogenetic location: 5q23.2.
Variant type: single nucleotide variant.
Coding change: c.1681A>G on transcript NM_001375405.1 (MANE Select); coding-DNA position 1681, A replaced by G.
Protein change: p.Lys561Glu; replaces lysine 561 with glutamic acid.
Molecular consequence: missense variant. On other transcripts: non-coding transcript variant (1).
Genome position (GRCh38, 1-based): chr5:123,385,033, T>C on the plus strand (A>G on the coding strand, the complement: CEP120 is on the minus strand). VCF-style: chr5-123385033-T-C. GRCh37 (hg19) VCF-style: chr5-122720727-T-C.
Other names: c.1603A>G, p.Lys535Glu (NM_001166226.2); c.1546A>G, p.Lys516Glu (NM_001375406.1); c.1681A>G, p.Lys561Glu (NM_001375407.1, NM_153223.4); c.1108A>G, p.Lys370Glu (NM_001375408.1, NM_001375409.1); short protein forms K561E, K516E, K370E, K535E.
Identifiers: ClinVar variation 2045519 (VCV002045519.4), dbSNP rs2479317711, ClinGen allele CA360902490.

ClinVar aggregate classification (germline): Uncertain significance (1 of 4 stars; one submission).

Conditions:
Short-rib thoracic dysplasia 13 with or without polydactyly (SRTD13). Identifiers: Orphanet 474, MedGen C4225378, MONDO:0014577, OMIM 616300.

Allele frequency attached by ClinVar (database versions not stated): gnomAD exomes below 0.00001.

Submission:

Labcorp Genetics (formerly Invitae), Labcorp
Classification: Uncertain significance for Short-rib thoracic dysplasia 13 with or without polydactyly. Last evaluated: 2021-12-17. Review status: criteria provided, single submitter. Criteria: Invitae Variant Classification Sherloc (09022015). Collection method: clinical testing. Allele origin: germline.
Comment: Algorithms developed to predict the effect of missense changes on protein structure and function are either unavailable or do not agree on the potential impact of this missense change (SIFT: "Deleterious"; PolyPhen-2: "Possibly Damaging"; Align-GVGD: "Class C15"). This variant has not been reported in the literature in individuals affected with CEP120-related conditions. This variant is not present in population databases (gnomAD no frequency). This sequence change replaces lysine, which is basic and polar, with glutamic acid, which is acidic and polar, at codon 561 of the CEP120 protein (p.Lys561Glu). Algorithms developed to predict the effect of sequence changes on RNA splicing suggest that this variant may create or strengthen a splice site. In summary, the available evidence is currently insufficient to determine the role of this variant in disease. Therefore, it has been classified as a Variant of Uncertain Significance.